The following is an entry in ClinVar:

ClinVar aggregate classification (germline): Likely pathogenic. Review status: reviewed by expert panel (3 of 4 stars). 3 submissions from 3 submitters: Likely pathogenic (1). 2 of the submissions do not count toward it. Last evaluated 2026-01-08.

Conditions:
Autosomal recessive limb-girdle muscular dystrophy. Identifiers: Orphanet 102015, MedGen C2931907, MONDO:0015152.
Neuromuscular disease caused by qualitative or quantitative defects of dysferlin. Also called: Dysferlinopathy; Qualitative or quantitative defects of dysferlin. Identifiers: Orphanet 207073, MedGen C2931687, MONDO:0016145.
Autosomal recessive limb-girdle muscular dystrophy type 2B (LGMDR2). Also called: Limb-girdle muscular dystrophy, type 2B; MUSCULAR DYSTROPHY, LIMB-GIRDLE, TYPE 3; MUSCULAR DYSTROPHY, LIMB-GIRDLE, AUTOSOMAL RECESSIVE 2; Limb-Girdle Muscular Dystrophy Type 2B (LGMD2B). Identifiers: Orphanet 268, MedGen C1850889, MONDO:0009676, OMIM 253601.

Allele frequency attached by ClinVar (database versions not stated): TOPMed below 0.00001; gnomAD exomes 0.00001.
gnomAD v4.1: 9 of 1,614,196 alleles (0.00056%); highest among the groups gnomAD compares: Non-Finnish European, 0.00068%; no homozygotes.

Submissions (3):

ClinGen Limb Girdle Muscular Dystrophy Variant Curation Expert Panel, ClinGen
Classification: Likely pathogenic for Autosomal recessive limb-girdle muscular dystrophy. Last evaluated: 2026-01-08. Review status: reviewed by expert panel. Criteria: ClinGen LGMD VCEP ACMG Specifications DYSF V2.0.0. Collection method: curation. Allele origin: germline. Inheritance: Autosomal recessive inheritance.
Comment: The NM_003494.4: c.6008G>A variant in DYSF, which is also known as NM_001130987.2: c.6125G>A p.(Gly2042Asp), is a missense variant predicted to cause substitution of glycine to aspartic acid at amino acid 2003, p.(Gly2003Asp). This variant has been reported in at least 3 unrelated individuals with features consistent with LGMD or dysferlinopathy (PMID: 40545540, 33610434; Jain Foundation Dysferlin Registry internal data communication; ClinVar SCV001229732.5 internal data communication), including in unconfirmed phase with a pathogenic variant in one patient (NM_003494.4: c.3112C>T p.(Arg1038Ter), 0.5 pts, PMID: 33610434; Jain Foundation Dysferlin Registry internal data communication) (PM3_Supporting). This patient had both a clinical diagnosis of LGMD and disease range dysferlin expression in blood monocytes, which is highly specific for DYSF-related LGMD (PMID: 33610434, Jain Foundation Dysferlin Registry internal data communication; PP4_Strong). In addition, two affected family members had both of the DYSF c.6008G>A p.(Gly2003Asp) and c.3112C>T p.(Arg1038Ter) variants, but phase was not confirmed (Jain Foundation Dysferlin Registry internal data communication; PP1 not met). The upper bound of the 95% confidence interval of the Grpmax variant allele frequency in gnomAD v4.1.0 is 0.000012232 (8/1180048 European (non-Finnish) alleles), which is lower than the LGMD VCEP threshold (<0.0001) for PM2_Supporting, meeting this criterion (PM2_Supporting). The Gly2003Asp protein was classified as functional in both 2-A and immunofluorescence assays of dysferlin membrane localization (PMID: 35028538). However, the computational predictor REVEL gives a score of 0.822, which is above the LGMD VCEP threshold of ≥0.70, evidence that correlates with impact to DYSF function (PP3). In summary, this variant meets the criteria to be classified as Likely Pathogenic for autosomal recessive limb girdle muscular dystrophy based on the ACMG/AMP criteria applied, as specified by the ClinGen LGMD VCEP (LGMD VCEP specifications version 2.0.0; 01/08/2026): PM3_Supporting, PP4_Strong, PM2_Supporting, PP3.

Labcorp Genetics (formerly Invitae), Labcorp
Classification: Pathogenic for Neuromuscular disease caused by qualitative or quantitative defects of dysferlin. Last evaluated: 2023-12-14. Review status: criteria provided, single submitter. Criteria: Invitae Variant Classification Sherloc (09022015). Collection method: clinical testing. Allele origin: germline. Not counted in ClinVar's aggregate classification.
Comment: This sequence change replaces glycine, which is neutral and non-polar, with aspartic acid, which is acidic and polar, at codon 2003 of the DYSF protein (p.Gly2003Asp). This variant is not present in population databases (gnomAD no frequency). This missense change has been observed in individual(s) with DYSF-related conditions (PMID: 33610424; Invitae). In at least one individual the data is consistent with being in trans (on the opposite chromosome) from a pathogenic variant. ClinVar contains an entry for this variant (Variation ID: 858838). Advanced modeling of protein sequence and biophysical properties (such as structural, functional, and spatial information, amino acid conservation, physicochemical variation, residue mobility, and thermodynamic stability) performed at Invitae indicates that this missense variant is expected to disrupt DYSF protein function with a positive predictive value of 95%. For these reasons, this variant has been classified as Pathogenic.

Natera, Inc.
Classification: Uncertain significance for Limb-girdle muscular dystrophy type 2B. Last evaluated: 2020-08-31. Review status: no assertion criteria provided. Collection method: clinical testing. Allele origin: germline. Not counted in ClinVar's aggregate classification.

Literature cited by the submitters: PubMed 33610424 (cited by Labcorp Genetics (formerly Invitae), Labcorp).

NM_001130987.2(DYSF):c.6125G>A (p.Gly2042Asp)

Gene: DYSF (dysferlin; plus strand). Cytogenetic location: 2p13.2.
Variant type: single nucleotide variant.
Coding change: c.6125G>A on transcript NM_001130987.2 (MANE Select); coding-DNA position 6125, G replaced by A.
Protein change: p.Gly2042Asp; replaces glycine 2042 with aspartic acid.
Molecular consequence: missense variant.
Genome position (GRCh38, 1-based): chr2:71,681,062, G>A. VCF-style: chr2-71681062-G-A. GRCh37 (hg19) VCF-style: chr2-71908192-G-A.
Other names: NM_001130987.2(DYSF):c.6125G>A; p.Gly2042Asp; c.6011G>A, p.Gly2004Asp (NM_001130455.2); c.5966G>A, p.Gly1989Asp (NM_001130976.2); c.6029G>A, p.Gly2010Asp (NM_001130977.2); c.6071G>A, p.Gly2024Asp (NM_001130978.2); c.6101G>A, p.Gly2034Asp (NM_001130979.2); c.6059G>A, p.Gly2020Asp (NM_001130980.2); and 7 more; short protein forms G2010D, G2020D, G2011D, G2025D, G1989D, G1990D, G2003D, G2004D.
Identifiers: ClinVar variation 858838 (VCV000858838.11), dbSNP rs1395588065, ClinGen allele CA347226819.
Genomic context (GRCh38, chr2:71,681,062, plus strand): 5'-GCAAGCTGGAAATGACCTTGGAGATTGTAGCAGAGAGTGAGCATGAGGAGCGGCCTGCTG[G>A]CCAGGGCCGGGATGAGCCCAACATGAACCCTAAGCTTGAGGACCCAAGGTCAGTGCCCAG-3'
Protein context (NP_001124459.1, residues 2032-2052): AESEHEERPA[Gly2042Asp]QGRDEPNMNP